The following is an entry in ClinVar:

ClinVar aggregate classification (germline): Uncertain significance (1 of 4 stars; one submission).

gnomAD v4.1: 3 of 1,606,716 alleles (0.00019%); highest among the groups gnomAD compares: Admixed American, 0.0017%; no homozygotes.

Submission:

Labcorp Genetics (formerly Invitae), Labcorp
Classification: Uncertain significance. Last evaluated: 2022-10-30. Review status: criteria provided, single submitter. Criteria: Invitae Variant Classification Sherloc (09022015). Collection method: clinical testing. Allele origin: germline.
Comment: In summary, the available evidence is currently insufficient to determine the role of this variant in disease. Therefore, it has been classified as a Variant of Uncertain Significance. This sequence change replaces serine, which is neutral and polar, with arginine, which is basic and polar, at codon 116 of the PITPNM3 protein (p.Ser116Arg). This variant is not present in population databases (gnomAD no frequency). This variant has not been reported in the literature in individuals affected with PITPNM3-related conditions. Advanced modeling of protein sequence and biophysical properties (such as structural, functional, and spatial information, amino acid conservation, physicochemical variation, residue mobility, and thermodynamic stability) performed at Invitae indicates that this missense variant is not expected to disrupt PITPNM3 protein function.

NM_031220.4(PITPNM3):c.348C>A (p.Ser116Arg)

Gene: PITPNM3 (PITPNM family member 3; minus strand). Cytogenetic location: 17p13.2.
Variant type: single nucleotide variant.
Coding change: c.348C>A on transcript NM_031220.4 (MANE Select); coding-DNA position 348, C replaced by A.
Protein change: p.Ser116Arg; replaces serine 116 with arginine.
Molecular consequence: missense variant.
Genome position (GRCh38, 1-based): chr17:6,484,219, G>T on the plus strand (C>A on the coding strand, the complement: PITPNM3 is on the minus strand). VCF-style: chr17-6484219-G-T. GRCh37 (hg19) VCF-style: chr17-6387539-G-T.
Other names: c.240C>A, p.Ser80Arg (NM_001165966.2); short protein forms S116R, S80R.
Identifiers: ClinVar variation 2879957 (VCV002879957.3), dbSNP rs368779193, ClinGen allele CA397411402.